The following continues an entry in ClinVar:

NM_000371.4(TTR):c.424G>A (p.Val142Ile)

Gene: TTR. ClinVar aggregate classification (germline): Pathogenic/Likely pathogenic. Pathogenic (40); Likely pathogenic (3).

Submissions 8 to 17 of 54:

ARUP Laboratories, Molecular Genetics and Genomics, ARUP Laboratories
Classification: Pathogenic. Last evaluated: 2025-07-25. Review status: criteria provided, single submitter. Criteria: ARUP Molecular Germline Variant Investigation Process 2024. Collection method: clinical testing. Allele origin: germline.
Comment: The TTR c.424G>A; p.Val142Ile variant (rs76992529, ClinVar Variation ID: 13426), also known as Val122Ile, is one of the most common pathogenic variants associated with late-onset amyloidosis in individuals often of African American ancestry (Buxbaum 2017, Damy 2016, Jacobson 2016). The variant does not appear to have an effect on cardiac function until after the age of 60 (Buxbaum 2010, Reddi 2014, Quarta 2015). Although this variant commonly has a predominant clinical expression of hypertrophic restrictive cardiomyopathy with mild or no neurological symptoms, it has also been reported in an individual with neurological findings and no cardiac involvement (Stancanelli 2017). Functional studies have demonstrated instability of the variant tetramer protein (Altland 2007, Jiang 2001, Sekijima 2005, Steward 2008), and suggest the variant predisposes to accumulation of amyloid beta peptide as well as causes vacuolar degeneration leading to decreased viability of cultured skeletal muscle (Askanas 2003). This variant is found in the African/African American population with an allele frequency of 1.6% (405/24,968 alleles, including 3 homozygotes) in the Genome Aggregation Database (v2.1.1). Although the allele frequency is high, it is consistent with the disease prevalence. Computational analyses are uncertain whether this variant is neutral or deleterious (REVEL: 0.645). Based on available information, this variant is considered to be pathogenic. References: Altland K et al. Genetic microheterogeneity of human transthyretin detected by IEF. Electrophoresis. 2007 Jun;28(12):2053-64. PMID: 17503405. Askanas V et al. Transthyretin Val122Ile, accumulated Abeta, and inclusion-body myositis aspects in cultured muscle. Neurology. 2003 Jul 22;61(2):257-60. PMID: 12874414. Buxbaum J et al. Significance of the amyloidogenic transthyretin Val 122 Ile allele in African Americans in the Arteriosclerosis Risk in Communities (ARIC) and Cardiovascular Health (CHS) Studies. Am Heart J. 2010 May;159(5):864-70. PMID: 20435197. Buxbaum JN et al. Transthyretin V122I (pV142I)* cardiac amyloidosis: an age-dependent autosomal dominant cardiomyopathy too common to be overlooked as a cause of significant heart disease in elderly African Americans. Genet Med. 2017 Jul;19(7):733-742. PMID: 28102864. Damy T et al. Prevalence and clinical phenotype of hereditary transthyretin amyloid cardiomyopathy in patients with increased left ventricular wall thickness. Eur Heart J. 2016 Jun 14;37(23):1826-34. PMID: 26537620. Jacobson DR et al. The prevalence and distribution of the amyloidogenic transthyretin (TTR) V122I allele in Africa. Mol Genet Genomic Med. 2016 Jul 14;4(5):548-56. PMID: 27652282. Jiang X et al. The V122I cardiomyopathy variant of transthyretin increases the velocity of rate-limiting tetramer dissociation, resulting in accelerated amyloidosis. Proc Natl Acad Sci U S A. 2001 Dec 18;98(26):14943-8. PMID: 11752443. Reddi HV et al. Homozygosity for the V122I mutation in transthyretin is associated with earlier onset of cardiac amyloidosis in the African American population in the seventh decade of life. J Mol Diagn. 2014 Jan;16(1):68-74. PMID: 24184229. Sekijima Y et al. The biological and chemical basis for tissue-selective amyloid disease. Cell. 2005 Apr 8;121(1):73-85. PMID: 15820680. Stancanelli C et al. Phenotypic variability of TTR Val122Ile mutation: a Caucasian patient with axonal neuropathy and normal heart. Neurol Sci. 2017 Mar;38(3):525-526. PMID: 27838833. Steward RE et al. Different disease-causing mutations in transthyretin trigger the same conformational conversion. Protein Eng Des Sel. 2008 Mar;21(3):187-95. PMID: 18276611. Quarta CC et al. The amyloidogenic V122I transthyretin variant in elderly black Americans. N Engl J Med. 2015 Jan 1;372(1):21-9. PMID: 25551524.

Clinical Genetics Laboratory, Skane University Hospital Lund
Classification: Pathogenic for Amyloidosis, hereditary systemic 1. Last evaluated: 2025-07-23. Review status: criteria provided, single submitter. Criteria: ACMG Guidelines, 2015. Collection method: clinical testing. Allele origin: germline. Affected: yes.
Comment: ACMG criteria used: PS3, PS4, PP3

Rady Children's Institute for Genomic Medicine, Rady Children's Hospital San Diego
Classification: Pathogenic for Hereditary transthyretin amyloidosis. Last evaluated: 2025-06-17. Review status: criteria provided, single submitter. Criteria: ACMG Guidelines, 2015. Collection method: clinical testing. Allele origin: germline. Affected: yes.
Comment: This variant is also known as p.Val122Ile by legacy nomenclature. This is a known Pathogenic variant that has been previously reported as a heterozygous change in multiple patients with hereditary transthyretin amyloidosis with a cardiac amyloidosis-predominant phenotype (PMID: 20301373, 22745357, 24070600, 24184229, 25846356). Functional studies demonstrate an altered speed of tetramer dissociation, greater formation of amyloid fibrils, and an unstable TTR tetramer compared to wild type (PMID: 11752443, 18276611). The c.424G>A (p.Val142Ile) variant is present in the latest version of the gnomAD population database at an allele frequency of 0.09% (1433/1614082), including 8 homozygous individuals. Based on the available evidence, c.424G>A (p.Val142Ile) is classified as Pathogenic.

Dubai Health Genomic Medicine Center, Dubai Health
Classification: Pathogenic for Amyloidosis. Last evaluated: 2024-10-04. Review status: criteria provided, single submitter. Criteria: ACMG Guidelines, 2015. Collection method: research. Allele origin: germline. Affected: yes.
Comment: PS4,PS3,PM2

Fulgent Genetics
Classification: Pathogenic for Amyloidosis, hereditary systemic 1; Carpal tunnel syndrome 1; Hyperthyroxinemia, dystransthyretinemic. Last evaluated: 2024-04-08. Review status: criteria provided, single submitter. Criteria: ACMG Guidelines, 2015. Collection method: clinical testing. Allele origin: germline.

Genomic Medicine Center of Excellence, King Faisal Specialist Hospital and Research Centre
Classification: Pathogenic for Amyloidosis, hereditary systemic 1. Last evaluated: 2024-03-26. Review status: criteria provided, single submitter. Criteria: ACMG Guidelines, 2015. Collection method: clinical testing. Allele origin: germline.

Johns Hopkins Genomics, Johns Hopkins University
Classification: Pathogenic for Amyloidosis, hereditary systemic 1. Last evaluated: 2024-03-07. Review status: criteria provided, single submitter. Criteria: ACMG Guidelines, 2015. Collection method: clinical testing. Allele origin: germline.
Comment: This TTR variant (rs76992529) reaches polymorphic frequency (>1%) within the African/African American subpopulation in a large population dataset (gnomADv4.1.0: 1272/75018 alleles; 1.7%, 8 homozygotes) and has been reported in ClinVar. This variant, which is also known as p.Val122Ile, has been described as one of the most common pathogenic variants associated with hereditary transthyretin amyloidosis, particularly in individuals of African descent. It is typically associated with cardiac amyloidosis with either limited or no significant neurological involvement. Phenotype severity generally increases after the age of 60 and may include congestive heart failure. Experimental studies have shown that this missense change renders the TTR complex unstable, leading to greater formation of amyloid fibrils compared to wild type protein. We consider c.424G>A (p.Val142Ile) to be pathogenic.

Baylor Genetics
Classification: Pathogenic for Amyloidosis, hereditary systemic 1. Last evaluated: 2024-02-10. Review status: criteria provided, single submitter. Criteria: ACMG Guidelines, 2015. Collection method: clinical testing. Allele origin: unknown.

Clinical Genomics Laboratory, Washington University in St. Louis
Classification: Pathogenic for Amyloidosis, hereditary systemic 1. Last evaluated: 2024-02-09. Review status: criteria provided, single submitter. Criteria: ACMG Guidelines, 2015. Collection method: clinical testing. Allele origin: germline.
Comment: The TTR c.424G>A (p.Val142Ile) variant, also known as Val122Ile, has been reported in many individuals of predominantly African American ancestry affected with cardiac amyloidosis and late onset cardiomyopathy or congestive heart failure and has been shown to have an age-adjusted odds ratio of 1.5-2 [95% CI 1.2-2.7] (Damrauer SM et al., PMID: 31821430; Dungu JN et al., PMID: 27618855; Jacobson DR et al., PMID: 27652282; Quarta CC et al., PMID: 25551524; Reddi HV et al., PMID: 24184229). This variant has been reported in the ClinVar database as a germline pathogenic variant by several submitters. The highest population minor allele frequency in the population database genome aggregation database (v.2.1.1) is 1.6% in the African/African American population, which is consistent with a reduced penetrance and age-dependent variant. Computational predictors indicate that the variant is damaging, evidence that correlates with impact to transthyretin function. Based on available information and the ACMG/AMP guidelines for variant interpretation (Richards S et al., PMID: 25741868), this variant is classified as pathogenic.

Athena Diagnostics
Classification: Pathogenic. Last evaluated: 2023-12-13. Review status: criteria provided, single submitter. Criteria: Athena Diagnostics Criteria. Collection method: clinical testing. Allele origin: unknown.
Comment: This variant is the most common variant associated with autosomal dominant TTR-related amyloid cardiomyopathy (PMID: 9017939), formerly known as familial amyloidotic cardiomyopathy (FAC); therefore the frequency of this variant in the general population is consistent with pathogenicity (Genome Aggregation Database (gnomAD), Cambridge, MA (URL)). This variant occurs as the most likely explanation for disease in a significant number of internal cases, suggesting this variant is associated with disease. According to published literature, there is no significant difference in severity of clinical presentation between individuals with this variant in the heterozygous or homozygous state (PMID: 19781421); however, age of onset is reported to be earlier in homozygous individuals (PMID: 24184229, 28102864). This variant is also referred to as c.7356G>A (p.Val122Ile) in published literature. Assessment of experimental evidence suggests this variant results in abnormal protein function. (PMID: 11752443, 35903975)